The following is an entry in ClinVar:

ClinVar aggregate classification (germline): Likely benign (1 of 4 stars; one submission).

Allele frequency attached by ClinVar (database versions not stated): TOPMed 0.00015; ESP Exome Variant Server 0.00016; gnomAD 0.00017.
gnomAD v4.1: 541 of 1,612,394 alleles (0.034%); highest among the groups gnomAD compares: Non-Finnish European, 0.044%; 2 homozygotes.

Submission:

CeGaT Center for Human Genetics Tuebingen
Classification: Likely benign. Last evaluated: 2022-10-01. Review status: criteria provided, single submitter. Criteria: CeGaT Center For Human Genetics Tuebingen Variant Classification Criteria Version 2. Collection method: clinical testing. Allele origin: germline. Affected: yes. Observed: 1 variant allele.
Comment: DAAM2: BP4, BP7

NM_001201427.2(DAAM2):c.2658G>A (p.Arg886=)

Gene: DAAM2 (dishevelled associated activator of morphogenesis 2; plus strand). Cytogenetic location: 6p21.2.
Variant type: single nucleotide variant.
Coding change: c.2658G>A on transcript NM_001201427.2 (MANE Select); coding-DNA position 2658, G replaced by A.
Protein change: p.Arg886=; no amino-acid change (arginine 886 retained).
Molecular consequence: synonymous variant.
Genome position (GRCh38, 1-based): chr6:39,898,916, G>A. VCF-style: chr6-39898916-G-A. GRCh37 (hg19) VCF-style: chr6-39866692-G-A.
Other names: c.2658G>A, p.Arg886= (NM_015345.4).
Identifiers: ClinVar variation 2656536 (VCV002656536.24), dbSNP rs61748651, ClinGen allele CA3795359.
Genomic context (GRCh38, chr6:39,898,916, plus strand): 5'-TCCCTCTGTGTCTCCTTACAGCCTAGCAGAACTGGAGAAGGAGGTGGGCAACCTCAGGAG[G>A]GGCCTGAGAGCGGTGGAGGTGGTGAGTACCTTGTCAGTGCCTACCTGGGTGAGGGCTGCT-3'
Protein context (NP_001188356.1, residues 876-896): ELEKEVGNLR[Arg886=]GLRAVEVELE